The following is an entry in ClinVar:

ClinVar aggregate classification (germline): Likely benign (1 of 4 stars; one submission).

Submission:

CeGaT Center for Human Genetics Tuebingen
Classification: Likely benign. Last evaluated: 2024-11-01. Review status: criteria provided, single submitter. Criteria: CeGaT Center For Human Genetics Tuebingen Variant Classification Criteria Version 2. Collection method: clinical testing. Allele origin: germline. Affected: yes. Observed: 1 variant allele.
Comment: RTKN2: PM2:Supporting, BP4, BP7

NM_145307.4(RTKN2):c.561C>T (p.Thr187=)

Gene: RTKN2 (rhotekin 2; minus strand). Cytogenetic location: 10q21.2.
Variant type: single nucleotide variant.
Coding change: c.561C>T on transcript NM_145307.4 (MANE Select); coding-DNA position 561, C replaced by T.
Protein change: p.Thr187=; no amino-acid change (threonine 187 retained).
Molecular consequence: synonymous variant.
Genome position (GRCh38, 1-based): chr10:62,236,191, G>A on the plus strand (C>T on the coding strand, the complement: RTKN2 is on the minus strand). VCF-style: chr10-62236191-G-A. GRCh37 (hg19) VCF-style: chr10-63995950-G-A.
Identifiers: ClinVar variation 3390195 (VCV003390195.14).